The following is an entry in ClinVar:

ClinVar aggregate classification (germline): Uncertain significance. Review status: criteria provided, multiple submitters, no conflicts (2 of 4 stars). 2 submissions from 2 submitters: Uncertain significance (2). Last evaluated 2016-08-06.

Conditions:
Dilated cardiomyopathy 1G (CMD1G). Identifiers: Orphanet 154, MedGen C1858763, MONDO:0011400, OMIM 604145.
Autosomal recessive limb-girdle muscular dystrophy type 2J (LGMDR10). Also called: Limb-girdle muscular dystrophy, type 2J; MUSCULAR DYSTROPHY, LIMB-GIRDLE, AUTOSOMAL RECESSIVE 10. Identifiers: Orphanet 140922, MedGen C1837342, MONDO:0012127, OMIM 608807.

Allele frequency attached by ClinVar (database versions not stated): gnomAD 0.00001; gnomAD exomes 0.00001; TOPMed 0.00002.
gnomAD v4.1: 18 of 1,612,946 alleles (0.0011%); highest among the groups gnomAD compares: East Asian, 0.0045%; no homozygotes.

Submissions (2):

Labcorp Genetics (formerly Invitae), Labcorp
Classification: Uncertain significance for Dilated cardiomyopathy 1G; Autosomal recessive limb-girdle muscular dystrophy type 2J. Last evaluated: 2016-08-06. Review status: criteria provided, single submitter. Criteria: Invitae Variant Classification Sherloc (09022015). Collection method: clinical testing. Allele origin: germline.

Biesecker Lab/Clinical Genomics Section, National Institutes of Health
Classification: Uncertain significance. Last evaluated: 2013-06-24. Review status: criteria provided, single submitter. Criteria: Ng et al. (Circ Cardiovasc Genet. 2013). Collection method: research. Allele origin: unknown. Observed: 1 variant allele. Study: ClinSeq.
Comment: The study set was not selected for affection status in relation to any cancer. Pathogenicity categories were based on literature curation. See Pubmed ID:23861362 for details.

Medical sequencing

NM_001267550.2(TTN):c.63380G>A (p.Arg21127His)

Genes: TTN (titin; minus strand), TTN-AS1 (TTN antisense RNA 1; plus strand). Cytogenetic location: 2q31.2.
Variant type: single nucleotide variant.
Coding change: c.63380G>A on transcript NM_001267550.2 (MANE Select); coding-DNA position 63380, G replaced by A.
Protein change: p.Arg21127His; replaces arginine 21127 with histidine.
Molecular consequence: missense variant.
Genome position (GRCh38, 1-based): chr2:178,588,027, C>T on the plus strand (G>A on the coding strand, the complement: TTN is on the minus strand). VCF-style: chr2-178588027-C-T. GRCh37 (hg19) VCF-style: chr2-179452754-C-T.
Other names: c.58457G>A, p.Arg19486His (NM_001256850.1); c.36185G>A, p.Arg12062His (NM_003319.4); c.55676G>A, p.Arg18559His (NM_133378.4); c.36560G>A, p.Arg12187His (NM_133432.3); c.36761G>A, p.Arg12254His (NM_133437.4); short protein forms R18559H, R21127H, R12187H, R12062H, R12254H, R19486H.
Identifiers: ClinVar variation 191926 (VCV000191926.9), dbSNP rs201226615, ClinGen allele CA237888.